The following is an entry in ClinVar:

NM_000337.6(SGCD):c.3+1G>T

Gene: SGCD (sarcoglycan delta; plus strand). Cytogenetic location: 5q33.3.
Variant type: single nucleotide variant.
Coding change: c.3+1G>T on transcript NM_000337.6 (MANE Select); the canonical splice donor site of the intron after coding-DNA position 3, G replaced by T.
Molecular consequence: splice donor variant. On other transcripts: intron variant (1).
Genome position (GRCh38, 1-based): chr5:156,329,580, G>T. VCF-style: chr5-156329580-G-T. GRCh37 (hg19) VCF-style: chr5-155756590-G-T.
Other names: c.-1+2348G>T (NM_001128209.2); c.3+1G>T (NM_172244.3).
Identifiers: ClinVar variation 1067099 (VCV001067099.10), dbSNP rs777787493, ClinGen allele CA362007477.

ClinVar aggregate classification (germline): Uncertain significance (1 of 4 stars; one submission).

Conditions:
Autosomal recessive limb-girdle muscular dystrophy type 2F (LGMDR6). Also called: Muscular dystrophy limb-girdle with delta-sarcoglyan deficiency; MUSCULAR DYSTROPHY, LIMB-GIRDLE, AUTOSOMAL RECESSIVE 6. Identifiers: Orphanet 219, MedGen C1832525, MONDO:0011028, OMIM 601287. Disease mechanism: Affects gamma-sarcoglycan and also disrupts the integrity of the entire sarcoglycan complex..

Submission:

Labcorp Genetics (formerly Invitae), Labcorp
Classification: Uncertain significance for Autosomal recessive limb-girdle muscular dystrophy type 2F. Last evaluated: 2021-09-08. Review status: criteria provided, single submitter. Criteria: Invitae Variant Classification Sherloc (09022015). Collection method: clinical testing. Allele origin: germline.
Comment: This sequence change affects a donor splice site in intron 2 of the SGCD gene. It is expected to disrupt RNA splicing. Variants that disrupt the donor or acceptor splice site typically lead to a loss of protein function (PMID: 16199547), however it is currently unclear if variants that occur in this region of the gene cause disease. In summary, the available evidence is currently insufficient to determine the role of this variant in disease. Therefore, it has been classified as a Variant of Uncertain Significance. Algorithms developed to predict the effect of sequence changes on RNA splicing suggest that this variant may disrupt the consensus splice site. ClinVar contains an entry for this variant (Variation ID: 1067099). This variant has not been reported in the literature in individuals affected with SGCD-related conditions. This variant is not present in population databases (ExAC no frequency).

Literature cited by the submitters: PubMed 16199547.